The following is an entry in ClinVar:

ClinVar aggregate classification (germline): Uncertain significance (1 of 4 stars; one submission).

gnomAD v4.1: 1 of 1,612,726 alleles (0.000062%); no homozygotes.

Submission:

Labcorp Genetics (formerly Invitae), Labcorp
Classification: Uncertain significance. Last evaluated: 2023-07-07. Review status: criteria provided, single submitter. Criteria: Invitae Variant Classification Sherloc (09022015). Collection method: clinical testing. Allele origin: germline.
Comment: Advanced modeling of protein sequence and biophysical properties (such as structural, functional, and spatial information, amino acid conservation, physicochemical variation, residue mobility, and thermodynamic stability) performed at Invitae indicates that this missense variant is not expected to disrupt ADGRV1 protein function. In summary, the available evidence is currently insufficient to determine the role of this variant in disease. Therefore, it has been classified as a Variant of Uncertain Significance. ClinVar contains an entry for this variant (Variation ID: 2092281). This variant has not been reported in the literature in individuals affected with ADGRV1-related conditions. This variant is not present in population databases (gnomAD no frequency). This sequence change replaces glycine, which is neutral and non-polar, with aspartic acid, which is acidic and polar, at codon 3138 of the ADGRV1 protein (p.Gly3138Asp).

NM_032119.4(ADGRV1):c.9413G>A (p.Gly3138Asp)

Gene: ADGRV1 (adhesion G protein-coupled receptor V1; plus strand). Cytogenetic location: 5q14.3.
Variant type: single nucleotide variant.
Coding change: c.9413G>A on transcript NM_032119.4 (MANE Select); coding-DNA position 9413, G replaced by A.
Protein change: p.Gly3138Asp; replaces glycine 3138 with aspartic acid.
Molecular consequence: missense variant. On other transcripts: non-coding transcript variant (1).
Genome position (GRCh38, 1-based): chr5:90,716,695, G>A. VCF-style: chr5-90716695-G-A. GRCh37 (hg19) VCF-style: chr5-90012512-G-A.
Other names: short protein forms G3138D.
Identifiers: ClinVar variation 2092281 (VCV002092281.2), dbSNP rs747669987, ClinGen allele CA360397714.